The following is an entry in ClinVar:

NM_001142800.2(EYS):c.3890C>T (p.Thr1297Ile)

Gene: EYS (EGF-like photoreceptor maintenance factor; minus strand). Cytogenetic location: 6q12.
Variant type: single nucleotide variant.
Coding change: c.3890C>T on transcript NM_001142800.2 (MANE Select); coding-DNA position 3890, C replaced by T.
Protein change: p.Thr1297Ile; replaces threonine 1297 with isoleucine.
Molecular consequence: missense variant.
Genome position (GRCh38, 1-based): chr6:64,591,977, G>A on the plus strand (C>T on the coding strand, the complement: EYS is on the minus strand). VCF-style: chr6-64591977-G-A. GRCh37 (hg19) VCF-style: chr6-65301870-G-A.
Other names: c.3890C>T, p.Thr1297Ile (NM_001292009.2); short protein forms T1297I.
Identifiers: ClinVar variation 943482 (VCV000943482.9), dbSNP rs1766427401, ClinGen allele CA364784491.
Genomic context (GRCh38, chr6:64,591,977, plus strand): 5'-GTGCTAATTCTTAATGTTGCCAAACCAGTGGTTGGGAGAATGTCGTGCTTGACAATGCCT[G>A]TCTGTTTTGGACCTACAAAAAGGAAAAAAGCCAAAAAGGTTAGAAAAATGAATCAGAAAC-3'
Protein context (NP_001136272.1, residues 1287-1307): TYPVDQGPKQ[Thr1297Ile]GIVKHDILPT

ClinVar aggregate classification (germline): Uncertain significance (1 of 4 stars; one submission).

Allele frequency attached by ClinVar (database versions not stated): gnomAD exomes below 0.00001.
gnomAD v4.1: 1 of 1,488,090 alleles (0.000067%); highest among the groups gnomAD compares: Non-Finnish European, 0.00009%; no homozygotes.

Submission:

Labcorp Genetics (formerly Invitae), Labcorp
Classification: Uncertain significance. Last evaluated: 2022-06-03. Review status: criteria provided, single submitter. Criteria: Invitae Variant Classification Sherloc (09022015). Collection method: clinical testing. Allele origin: germline.
Comment: In summary, the available evidence is currently insufficient to determine the role of this variant in disease. Therefore, it has been classified as a Variant of Uncertain Significance. Algorithms developed to predict the effect of missense changes on protein structure and function output the following: SIFT: "Deleterious"; PolyPhen-2: "Possibly Damaging"; Align-GVGD: "Class C0". The isoleucine amino acid residue is found in multiple mammalian species, which suggests that this missense change does not adversely affect protein function. ClinVar contains an entry for this variant (Variation ID: 943482). This variant has not been reported in the literature in individuals affected with EYS-related conditions. This variant is not present in population databases (gnomAD no frequency). This sequence change replaces threonine, which is neutral and polar, with isoleucine, which is neutral and non-polar, at codon 1297 of the EYS protein (p.Thr1297Ile).